The following is an entry in ClinVar:

ClinVar aggregate classification (germline): Uncertain significance (1 of 4 stars; one submission).

Conditions:
Inborn genetic diseases. Identifiers: MedGen C0950123, MeSH D030342.

Allele frequency attached by ClinVar (database versions not stated): gnomAD exomes below 0.00001.
gnomAD v4.1: 1 of 1,613,794 alleles (0.000062%); highest among the groups gnomAD compares: Non-Finnish European, 0.000085%; no homozygotes.

Submission:

Ambry Genetics
Classification: Uncertain significance for Inborn genetic diseases. Last evaluated: 2024-01-19. Review status: criteria provided, single submitter. Criteria: Ambry Variant Classification Scheme 2023. Collection method: clinical testing. Allele origin: germline.
Comment: The p.T1566N variant (also known as c.4697C>A), located in coding exon 27 of the ATR gene, results from a C to A substitution at nucleotide position 4697. The threonine at codon 1566 is replaced by asparagine, an amino acid with similar properties. This amino acid position is conserved. In addition, this alteration is predicted to be tolerated by in silico analysis. Based on the available evidence, the clinical significance of this alteration remains unclear.

NM_001184.4(ATR):c.4697C>A (p.Thr1566Asn)

Gene: ATR (ATR checkpoint kinase; minus strand). Cytogenetic location: 3q23.
Variant type: single nucleotide variant.
Coding change: c.4697C>A on transcript NM_001184.4 (MANE Select); coding-DNA position 4697, C replaced by A.
Protein change: p.Thr1566Asn; replaces threonine 1566 with asparagine.
Molecular consequence: missense variant.
Genome position (GRCh38, 1-based): chr3:142,512,415, G>T on the plus strand (C>A on the coding strand, the complement: ATR is on the minus strand). VCF-style: chr3-142512415-G-T. GRCh37 (hg19) VCF-style: chr3-142231257-G-T.
Other names: c.4505C>A, p.Thr1502Asn (NM_001354579.2); short protein forms T1502N, T1566N.
Identifiers: ClinVar variation 3221175 (VCV003221175.1), dbSNP rs2032624728, ClinGen allele CA354795630.